The following is an entry in ClinVar:

ClinVar aggregate classification (germline): Likely benign (0 of 4 stars; one submission).

Conditions:
DNAH7-related disorder. Also called: DNAH7-related condition.

gnomAD v4.1: 7 of 1,613,952 alleles (0.00043%); highest among the groups gnomAD compares: African/African-American, 0.0027%; no homozygotes.

Submission:

PreventionGenetics, part of Exact Sciences
Classification: Likely benign for DNAH7-related condition. Last evaluated: 2024-03-11. Review status: no assertion criteria provided. Collection method: clinical testing. Allele origin: germline.
Comment: This variant is classified as likely benign based on ACMG/AMP sequence variant interpretation guidelines (Richards et al. 2015 PMID: 25741868, with internal and published modifications).

NM_018897.3(DNAH7):c.7482C>T (p.Asn2494=)

Gene: DNAH7 (dynein axonemal heavy chain 7; minus strand). Cytogenetic location: 2q32.3.
Variant type: single nucleotide variant.
Coding change: c.7482C>T on transcript NM_018897.3 (MANE Select); coding-DNA position 7482, C replaced by T.
Protein change: p.Asn2494=; no amino-acid change (asparagine 2494 retained).
Molecular consequence: synonymous variant.
Genome position (GRCh38, 1-based): chr2:195,864,173, G>A on the plus strand (C>T on the coding strand, the complement: DNAH7 is on the minus strand). VCF-style: chr2-195864173-G-A. GRCh37 (hg19) VCF-style: chr2-196728897-G-A.
Identifiers: ClinVar variation 3357542 (VCV003357542.1).